The following is an entry in ClinVar:

NM_002742.3(PRKD1):c.2672A>G (p.His891Arg)

Gene: PRKD1 (protein kinase D1; minus strand). Cytogenetic location: 14q12.
Variant type: single nucleotide variant.
Coding change: c.2672A>G on transcript NM_002742.3 (MANE Select); coding-DNA position 2672, A replaced by G.
Protein change: p.His891Arg; replaces histidine 891 with arginine.
Molecular consequence: missense variant.
Genome position (GRCh38, 1-based): chr14:29,577,305, T>C on the plus strand (A>G on the coding strand, the complement: PRKD1 is on the minus strand). VCF-style: chr14-29577305-T-C. GRCh37 (hg19) VCF-style: chr14-30046511-T-C.
Other names: c.2696A>G, p.His899Arg (NM_001330069.2); c.2408A>G, p.His803Arg (NM_001348390.1); short protein forms H803R, H891R, H899R.
Identifiers: ClinVar variation 2644146 (VCV002644146.24), dbSNP rs45582934, ClinGen allele CA7140828.

ClinVar aggregate classification (germline): Benign (1 of 4 stars; one submission).

Allele frequency attached by ClinVar (database versions not stated): 1000 Genomes Project 0.00519; 1000 Genomes Project 30x 0.00547; TOPMed 0.00811; ESP Exome Variant Server 0.00938; gnomAD exomes 0.01064; gnomAD 0.01114; ExAC 0.01123.
gnomAD v4.1: 17,250 of 1,613,844 alleles (1.1%); highest among the groups gnomAD compares: Middle Eastern, 2.1%; 144 homozygotes.

Submission:

CeGaT Center for Human Genetics Tuebingen
Classification: Benign. Last evaluated: 2026-09-01. Review status: criteria provided, single submitter. Criteria: CeGaT Center For Human Genetics Tuebingen Variant Classification Criteria Version 2. Collection method: clinical testing. Allele origin: germline. Affected: yes. Observed: 18 variant alleles.
Comment: PRKD1: BP4, BS1, BS2